The following is an entry in ClinVar:

NM_006662.3(SRCAP):c.9408G>T (p.Leu3136Phe)

Gene: SRCAP (Snf2 related CREBBP activator protein; plus strand). Cytogenetic location: 16p11.2.
Variant type: single nucleotide variant.
Coding change: c.9408G>T on transcript NM_006662.3 (MANE Select); coding-DNA position 9408, G replaced by T.
Protein change: p.Leu3136Phe; replaces leucine 3136 with phenylalanine.
Molecular consequence: missense variant.
Genome position (GRCh38, 1-based): chr16:30,739,448, G>T. VCF-style: chr16-30739448-G-T. GRCh37 (hg19) VCF-style: chr16-30750769-G-T.
Other names: short protein forms L3136F.
Identifiers: ClinVar variation 4798613 (VCV004798613.1).
Genomic context (GRCh38, chr16:30,739,448, plus strand): 5'-ACTGCGCTCGACCCGGCTGCGTCCAGGGTCTCTAGTCCCCCCACTAGAGACTGAGAAGTT[G>T]CCTCGCAAACGAGCAGGGGCCCCAGTTGGTGGGAGTCCTGGGCTGGCAAAGCGGGGCCGC-3'
Protein context (NP_006653.2, residues 3126-3146): SLVPPLETEK[Leu3136Phe]PRKRAGAPVG

ClinVar aggregate classification (germline): Uncertain significance (1 of 4 stars; one submission).

Submission:

Labcorp Genetics (formerly Invitae), Labcorp
Classification: Uncertain significance. Last evaluated: 2025-04-27. Review status: criteria provided, single submitter. Criteria: Invitae Variant Classification Sherloc (09022015). Collection method: clinical testing. Allele origin: germline.
Comment: This sequence change replaces leucine, which is neutral and non-polar, with phenylalanine, which is neutral and non-polar, at codon 3136 of the SRCAP protein (p.Leu3136Phe). This variant is not present in population databases (gnomAD no frequency). This variant has not been reported in the literature in individuals affected with SRCAP-related conditions. Invitae Evidence Modeling of protein sequence and biophysical properties (such as structural, functional, and spatial information, amino acid conservation, physicochemical variation, residue mobility, and thermodynamic stability) indicates that this missense variant is not expected to disrupt SRCAP protein function with a negative predictive value of 80%. In summary, the available evidence is currently insufficient to determine the role of this variant in disease. Therefore, it has been classified as a Variant of Uncertain Significance.